The following is an entry in ClinVar:

NM_002618.4(PEX13):c.487G>C (p.Asp163His)

Gene: PEX13 (peroxisomal biogenesis factor 13; plus strand). Cytogenetic location: 2p15.
Variant type: single nucleotide variant.
Coding change: c.487G>C on transcript NM_002618.4 (MANE Select); coding-DNA position 487, G replaced by C.
Protein change: p.Asp163His; replaces aspartic acid 163 with histidine.
Molecular consequence: missense variant.
Genome position (GRCh38, 1-based): chr2:61,031,813, G>C. VCF-style: chr2-61031813-G-C. GRCh37 (hg19) VCF-style: chr2-61258948-G-C.
Other names: short protein forms D163H.
Identifiers: ClinVar variation 1349553 (VCV001349553.8), dbSNP rs969985837, ClinGen allele CA48342363.

ClinVar aggregate classification (germline): Uncertain significance (1 of 4 stars; one submission).

Conditions:
Peroxisome biogenesis disorder 11A (Zellweger). Also called: Peroxisome biogenesis disorder 11A. Identifiers: Orphanet 912, MedGen C3554000, MONDO:0013949, OMIM 614883.

Allele frequency attached by ClinVar (database versions not stated): gnomAD exomes below 0.00001.
gnomAD v4.1: 1 of 1,613,680 alleles (0.000062%); highest among the groups gnomAD compares: Non-Finnish European, 0.000085%; no homozygotes.

Submission:

Labcorp Genetics (formerly Invitae), Labcorp
Classification: Uncertain significance for Peroxisome biogenesis disorder 11A (Zellweger). Last evaluated: 2024-05-29. Review status: criteria provided, single submitter. Criteria: Invitae Variant Classification Sherloc (09022015). Collection method: clinical testing. Allele origin: germline.
Comment: This sequence change replaces aspartic acid, which is acidic and polar, with histidine, which is basic and polar, at codon 163 of the PEX13 protein (p.Asp163His). This variant is present in population databases (no rsID available, gnomAD 0.0009%). This variant has not been reported in the literature in individuals affected with PEX13-related conditions. ClinVar contains an entry for this variant (Variation ID: 1349553). Advanced modeling of protein sequence and biophysical properties (such as structural, functional, and spatial information, amino acid conservation, physicochemical variation, residue mobility, and thermodynamic stability) performed at Invitae indicates that this missense variant is expected to disrupt PEX13 protein function with a positive predictive value of 80%. In summary, the available evidence is currently insufficient to determine the role of this variant in disease. Therefore, it has been classified as a Variant of Uncertain Significance.